The following is an entry in ClinVar:

NM_000166.6(GJB1):c.846_849del (p.Cys283fs)

Gene: GJB1 (gap junction protein beta 1; plus strand). Cytogenetic location: Xq13.1.
Variant type: Deletion.
Coding change: c.846_849del on transcript NM_000166.6 (MANE Select); coding-DNA positions 846 to 849, 4 bases deleted (CTGC; older notation c.846_849delCTGC).
Protein change: p.Cys283fs; shifts the reading frame from cysteine 283.
Molecular consequence: frameshift variant.
Genome position (GRCh38, 1-based): chrX:71,224,553-71,224,556, CTGC deleted; deleting any 4 consecutive bases within chrX:71,224,551-71,224,556 gives the same sequence; the c. name uses the placement nearest the transcript's 3' end. VCF-style (leftmost placement, unchanged base first): chrX-71224550-GGCCT-G. GRCh37 (hg19) VCF-style: chrX-70444400-GGCCT-G.
Other names: c.846_849del, p.Cys283fs (NM_001097642.3, NM_001440770.1); short protein forms C283fs.
Identifiers: ClinVar variation 4728656 (VCV004728656.1).
Genomic context (GRCh38, chrX:71,224,550, plus strand): 5'-CATACTGCGCCGCAGCCCTGGCACCGGGGCTGGGCTGGCTGAAAAGAGCGACCGCTGCTC[GGCCT>G]GCTGATGCCACATACCAGGCAACCTCCCATCCCACCCCCGACCCTGCCCTGGGCGAGCCC-3'

ClinVar aggregate classification (germline): Uncertain significance (1 of 4 stars; one submission).

Conditions:
Charcot-Marie-Tooth Neuropathy X. Identifiers: MedGen CN118851.

Submission:

Labcorp Genetics (formerly Invitae), Labcorp
Classification: Uncertain significance for Charcot-Marie-Tooth Neuropathy X. Last evaluated: 2025-10-07. Review status: criteria provided, single submitter. Criteria: Invitae Variant Classification Sherloc (09022015). Collection method: clinical testing. Allele origin: germline.
Comment: This sequence change is expected to alter the c-terminus of the GJB1 protein (p.Cys283Aspfs*108). While this is not anticipated to result in nonsense mediated decay, it is expected to disrupt the last 1 amino acid(s) of the GJB1 protein and extend the protein by 106 additional amino acid residues. This variant is not present in population databases (gnomAD no frequency). This variant has not been reported in the literature in individuals affected with GJB1-related conditions. Experimental studies and prediction algorithms are not available or were not evaluated, and the functional significance of this variant is currently unknown. In summary, the available evidence is currently insufficient to determine the role of this variant in disease. Therefore, it has been classified as a Variant of Uncertain Significance.